The following is an entry in ClinVar:

NM_032638.5(GATA2):c.965A>G (p.Tyr322Cys)

Gene: GATA2 (GATA binding protein 2; minus strand). Cytogenetic location: 3q21.3.
Variant type: single nucleotide variant.
Coding change: c.965A>G on transcript NM_032638.5 (MANE Select); coding-DNA position 965, A replaced by G.
Protein change: p.Tyr322Cys; replaces tyrosine 322 with cysteine.
Molecular consequence: missense variant.
Genome position (GRCh38, 1-based): chr3:128,483,912, T>C on the plus strand (A>G on the coding strand, the complement: GATA2 is on the minus strand). VCF-style: chr3-128483912-T-C. GRCh37 (hg19) VCF-style: chr3-128202755-T-C.
Other names: c.965A>G, p.Tyr322Cys (NM_001145661.2, NM_001145662.1); short protein forms Y322C.
Identifiers: ClinVar variation 2944800 (VCV002944800.4), dbSNP rs2472924680, ClinGen allele CA354404458.

ClinVar aggregate classification (germline): Uncertain significance. Review status: criteria provided, multiple submitters, no conflicts (2 of 4 stars). 2 submissions from 2 submitters: Uncertain significance (2). Last evaluated 2024-01-25.

Conditions:
Deafness-lymphedema-leukemia syndrome. Also called: Lymphedema, primary, with myelodysplasia; Emberger syndrome. Identifiers: Orphanet 3226, MedGen C3279664, MONDO:0013540, OMIM 614038.
Monocytopenia with susceptibility to infections. Also called: MONOCYTOPENIA AND MYCOBACTERIAL INFECTION SYNDROME; MONOCYTOPENIA WITH SUSCEPTIBILITY TO MYCOBACTERIAL, FUNGAL, AND PAPILLOMAVIRUS INFECTIONS AND MYELODYSPLASIA; COMBINED IMMUNODEFICIENCY WITH SUSCEPTIBILITY TO MYCOBACTERIAL, VIRAL, AND FUNGAL INFECTIONS; Dendritic cell, monocyte, B lymphocyte, and natural killer lymphocyte deficiency; IMMUNODEFICIENCY 21; GATA2 DEFICIENCY. Identifiers: Orphanet 228423, MedGen C3280030, MONDO:0013607, OMIM 614172.

Submissions (2):

GeneDx
Classification: Uncertain significance. Last evaluated: 2024-01-25. Review status: criteria provided, single submitter. Criteria: GeneDx Variant Classification Process June 2021. Collection method: clinical testing. Allele origin: germline. Affected: yes.
Comment: Not observed at significant frequency in large population cohorts (gnomAD); In silico analysis supports that this missense variant has a deleterious effect on protein structure/function; Has not been previously published as pathogenic or benign to our knowledge

Labcorp Genetics (formerly Invitae), Labcorp
Classification: Uncertain significance for Monocytopenia with susceptibility to infections; Deafness-lymphedema-leukemia syndrome. Last evaluated: 2023-03-03. Review status: criteria provided, single submitter. Criteria: Invitae Variant Classification Sherloc (09022015). Collection method: clinical testing. Allele origin: germline.
Comment: This variant is not present in population databases (gnomAD no frequency). This sequence change replaces tyrosine, which is neutral and polar, with cysteine, which is neutral and slightly polar, at codon 322 of the GATA2 protein (p.Tyr322Cys). This variant has not been reported in the literature in individuals affected with GATA2-related conditions. Advanced modeling of protein sequence and biophysical properties (such as structural, functional, and spatial information, amino acid conservation, physicochemical variation, residue mobility, and thermodynamic stability) performed at Invitae indicates that this missense variant is expected to disrupt GATA2 protein function. In summary, the available evidence is currently insufficient to determine the role of this variant in disease. Therefore, it has been classified as a Variant of Uncertain Significance.